The following is an entry in ClinVar:

NM_001134745.3(LRRTM4):c.406C>T (p.Arg136Cys)

Gene: LRRTM4 (leucine rich repeat transmembrane neuronal 4; minus strand). Cytogenetic location: 2p12.
Variant type: single nucleotide variant.
Coding change: c.406C>T on transcript NM_001134745.3 (MANE Select); coding-DNA position 406, C replaced by T.
Protein change: p.Arg136Cys; replaces arginine 136 with cysteine.
Molecular consequence: missense variant.
Genome position (GRCh38, 1-based): chr2:77,519,463, G>A on the plus strand (C>T on the coding strand, the complement: LRRTM4 is on the minus strand). VCF-style: chr2-77519463-G-A. GRCh37 (hg19) VCF-style: chr2-77746589-G-A.
Other names: c.406C>T, p.Arg136Cys (NM_001282924.3, NM_024993.6); c.409C>T, p.Arg137Cys (NM_001282928.3, NM_001330370.2); short protein forms R136C, R137C.
Identifiers: ClinVar variation 3351048 (VCV003351048.1).

ClinVar aggregate classification (germline): Uncertain significance (0 of 4 stars; one submission).

Conditions:
LRRTM4-related disorder. Also called: LRRTM4-related condition.

gnomAD v4.1: 5 of 1,613,438 alleles (0.00031%); highest among the groups gnomAD compares: Non-Finnish European, 0.00034%; no homozygotes.

Submission:

PreventionGenetics, part of Exact Sciences
Classification: Uncertain significance for LRRTM4-related condition. Last evaluated: 2024-09-26. Review status: no assertion criteria provided. Collection method: clinical testing. Allele origin: germline.
Comment: The LRRTM4 c.406C>T variant is predicted to result in the amino acid substitution p.Arg136Cys. To our knowledge, this variant has not been reported in the literature. This variant is reported in 0.0099% of alleles in individuals of Ashkenazi Jewish descent in gnomAD. At this time, the clinical significance of this variant is uncertain due to the absence of conclusive functional and genetic evidence.